The following is an entry in ClinVar:

ClinVar aggregate classification (germline): Uncertain significance. Review status: criteria provided, multiple submitters, no conflicts (2 of 4 stars). 6 submissions from 6 submitters: Uncertain significance (5). 1 of the submissions does not count toward it. Last evaluated 2024-11-21.

Conditions:
Retinitis pigmentosa 25 (RP25). Identifiers: Orphanet 791, MedGen C1864446, MONDO:0011272, OMIM 602772.
Retinitis pigmentosa (RP). Identifiers: Orphanet 791, MedGen C0035334, MeSH D012174, MONDO:0019200, OMIM 268000. Inheritance: Autosomal dominant, autosomal recessive and X linked inheritance.

Allele frequency attached by ClinVar (database versions not stated): 1000 Genomes Project 30x 0.00016; 1000 Genomes Project 0.00020; gnomAD 0.00021; TOPMed 0.00026; ExAC 0.00028; gnomAD exomes 0.00028.

Submissions (6):

Blueprint Genetics
Classification: Uncertain significance. Last evaluated: 2024-11-21. Review status: criteria provided, single submitter. Criteria: ACMG Guidelines, 2015. Collection method: clinical testing. Allele origin: germline.

Labcorp Genetics (formerly Invitae), Labcorp
Classification: Uncertain significance. Last evaluated: 2022-10-28. Review status: criteria provided, single submitter. Criteria: Invitae Variant Classification Sherloc (09022015). Collection method: clinical testing. Allele origin: germline.
Comment: This sequence change replaces threonine, which is neutral and polar, with methionine, which is neutral and non-polar, at codon 676 of the EYS protein (p.Thr676Met). This variant is present in population databases (rs199944222, gnomAD 0.05%). This variant has not been reported in the literature in individuals affected with EYS-related conditions. ClinVar contains an entry for this variant (Variation ID: 357733). Algorithms developed to predict the effect of missense changes on protein structure and function output the following: SIFT: "Tolerated"; PolyPhen-2: "Benign"; Align-GVGD: "Class C0". The methionine amino acid residue is found in multiple mammalian species, which suggests that this missense change does not adversely affect protein function. In summary, the available evidence is currently insufficient to determine the role of this variant in disease. Therefore, it has been classified as a Variant of Uncertain Significance.

Illumina Laboratory Services, Illumina
Classification: Uncertain significance for Retinitis pigmentosa. Last evaluated: 2018-01-12. Review status: criteria provided, single submitter. Criteria: ICSL Variant Classification Criteria 13 December 2019. Collection method: clinical testing. Allele origin: germline.

CeGaT Center for Human Genetics Tuebingen
Classification: Uncertain significance. Last evaluated: 2017-09-01. Review status: criteria provided, single submitter. Criteria: CeGaT Center For Human Genetics Tuebingen Variant Classification Criteria Version 2. Collection method: clinical testing. Allele origin: germline. Affected: yes. Observed: 1 variant allele.

Neuberg Centre For Genomic Medicine, NCGM
Classification: Uncertain significance for Retinitis pigmentosa 25. Review status: criteria provided, single submitter. Criteria: ACMG Guidelines, 2015. Collection method: clinical testing. Allele origin: germline. Inheritance: Autosomal recessive inheritance. Affected: yes.
Comment: The missense variant c.2027C>T (p.Thr676Met) in EYS gene has been submitted to ClinVar as a Variant of Uncertain Significance, but no details are available for independent assessment. It has not been reported in affected individuals. The p.Thr676Met variant is reported with the allele frequency (0.02%) in the gnomAD Exomes and is novel (not in any individuals) in 1000 Genomes. The amino acid Thr at position 676 is changed to a Met changing protein sequence and it might alter its composition and physico-chemical properties. In silico tools predict the variant to be tolerated. The residue is variable across species. The amino acid change p.Thr676Met in EYS is predicted as conserved by PhyloP across 100 vertebrates. For these reasons, this variant has been classified as Variant of Uncertain Significance.

Natera, Inc.
Classification: Uncertain significance for Retinitis pigmentosa. Last evaluated: 2020-04-17. Review status: no assertion criteria provided. Collection method: clinical testing. Allele origin: germline. Not counted in ClinVar's aggregate classification.

NM_001142800.2(EYS):c.2027C>T (p.Thr676Met)

Gene: EYS (EGF-like photoreceptor maintenance factor; minus strand). Cytogenetic location: 6q12.
Variant type: single nucleotide variant.
Coding change: c.2027C>T on transcript NM_001142800.2 (MANE Select); coding-DNA position 2027, C replaced by T.
Protein change: p.Thr676Met; replaces threonine 676 with methionine.
Molecular consequence: missense variant.
Genome position (GRCh38, 1-based): chr6:65,057,724, G>A on the plus strand (C>T on the coding strand, the complement: EYS is on the minus strand). VCF-style: chr6-65057724-G-A. GRCh37 (hg19) VCF-style: chr6-65767617-G-A.
Other names: c.2027C>T (NM_001292009.1); c.2027C>T, p.Thr676Met (NM_001292009.2); short protein forms T676M.
Identifiers: ClinVar variation 357733 (VCV000357733.51), dbSNP rs199944222, ClinGen allele CA3877331.
Genomic context (GRCh38, chr6:65,057,724, plus strand): 5'-CAGGTGGCTCCATTTTTGCAGGGATGTGAAGCACACTCATCTATATCAATTTCACATTGC[G>A]TACCTTTGGAAAATAGGAAAAAAAAATGTTAAGTGTTAACAAGACAGGCATGTATCAAGT-3'
Protein context (NP_001136272.1, residues 666-686): FRKCVPGFKG[Thr676Met]QCEIDIDECA